The following is an entry in ClinVar:

ClinVar aggregate classification (germline): Uncertain significance (1 of 4 stars; one submission).

Conditions:
Familial thoracic aortic aneurysm and aortic dissection (TAAD). Also called: Thoracic aortic aneurysms and dissections. Identifiers: Orphanet 91387, MedGen C4707243, MONDO:0019625.
Hereditary cancer-predisposing syndrome. Also called: Hereditary Cancer Syndrome; Hereditary neoplastic syndrome; Neoplastic Syndromes, Hereditary; Tumor predisposition. Identifiers: Orphanet 140162, MedGen C0027672, MeSH D009386, MONDO:0015356.

Submission:

Ambry Genetics
Classification: Uncertain significance for Hereditary cancer-predisposing syndrome; Familial thoracic aortic aneurysm and aortic dissection. Last evaluated: 2021-05-13. Review status: criteria provided, single submitter. Criteria: Ambry Variant Classification Scheme 2023. Collection method: clinical testing. Allele origin: germline.
Comment: The p.P320L variant (also known as c.959C>T), located in coding exon 8 of the SMAD4 gene, results from a C to T substitution at nucleotide position 959. The proline at codon 320 is replaced by leucine, an amino acid with similar properties. This amino acid position is highly conserved in available vertebrate species. In addition, this alteration is predicted to be deleterious by in silico analysis. Since supporting evidence is limited at this time, the clinical significance of this alteration remains unclear.

NM_005359.6(SMAD4):c.959C>T (p.Pro320Leu)

Gene: SMAD4 (SMAD family member 4; plus strand). Cytogenetic location: 18q21.2.
Variant type: single nucleotide variant.
Coding change: c.959C>T on transcript NM_005359.6 (MANE Select); coding-DNA position 959, C replaced by T.
Protein change: p.Pro320Leu; replaces proline 320 with leucine.
Molecular consequence: missense variant.
Genome position (GRCh38, 1-based): chr18:51,065,426, C>T. VCF-style: chr18-51065426-C-T. GRCh37 (hg19) VCF-style: chr18-48591796-C-T.
Other names: c.959C>T, p.Pro320Leu (NM_001407041.1, NM_001407042.1, NM_001407043.1); short protein forms P320L.
Identifiers: ClinVar variation 1767496 (VCV001767496.2), dbSNP rs2144446293, ClinGen allele CA402464083.